The following is an entry in ClinVar:

NM_004408.4(DNM1):c.2240C>T (p.Thr747Met)

Gene: DNM1 (dynamin 1; plus strand). Cytogenetic location: 9q34.11.
Variant type: single nucleotide variant.
Coding change: c.2240C>T on transcript NM_004408.4 (MANE Select); coding-DNA position 2240, C replaced by T.
Protein change: p.Thr747Met; replaces threonine 747 with methionine.
Molecular consequence: missense variant.
Genome position (GRCh38, 1-based): chr9:128,250,278, C>T. VCF-style: chr9-128250278-C-T. GRCh37 (hg19) VCF-style: chr9-131012557-C-T.
Other names: c.2240C>T, p.Thr747Met (NM_001374269.1, NM_001005336.3, NM_001288737.2 and 2 more transcripts); short protein forms T747M.
Identifiers: ClinVar variation 3017986 (VCV003017986.3), dbSNP rs1829432262, ClinGen allele CA375001055.

ClinVar aggregate classification (germline): Uncertain significance (1 of 4 stars; one submission).

Conditions:
Developmental and epileptic encephalopathy, 31A. Also called: Epileptic encephalopathy, early infantile, 31; Developmental and epileptic encephalopathy, 31. Identifiers: Orphanet 2382, MedGen C4225357, MONDO:0014598, OMIM 616346.

Allele frequency attached by ClinVar (database versions not stated): gnomAD exomes below 0.00001; TOPMed below 0.00001.
gnomAD v4.1: 4 of 1,613,264 alleles (0.00025%); highest among the groups gnomAD compares: Non-Finnish European, 0.00034%; no homozygotes.

Submission:

Labcorp Genetics (formerly Invitae), Labcorp
Classification: Uncertain significance for Developmental and epileptic encephalopathy, 31A. Last evaluated: 2024-10-24. Review status: criteria provided, single submitter. Criteria: Invitae Variant Classification Sherloc (09022015). Collection method: clinical testing. Allele origin: germline.
Comment: This sequence change replaces threonine, which is neutral and polar, with methionine, which is neutral and non-polar, at codon 747 of the DNM1 protein (p.Thr747Met). This variant is not present in population databases (gnomAD no frequency). This variant has not been reported in the literature in individuals affected with DNM1-related conditions. Invitae Evidence Modeling of protein sequence and biophysical properties (such as structural, functional, and spatial information, amino acid conservation, physicochemical variation, residue mobility, and thermodynamic stability) indicates that this missense variant is not expected to disrupt DNM1 protein function with a negative predictive value of 80%. In summary, the available evidence is currently insufficient to determine the role of this variant in disease. Therefore, it has been classified as a Variant of Uncertain Significance.